The following is an entry in ClinVar:

ClinVar aggregate classification (germline): Uncertain significance (1 of 4 stars; one submission).

gnomAD v4.1: 28 of 1,614,026 alleles (0.0017%); highest among the groups gnomAD compares: African/African-American, 0.0093%; 1 homozygote.

Submission:

Labcorp Genetics (formerly Invitae), Labcorp
Classification: Uncertain significance. Last evaluated: 2025-12-08. Review status: criteria provided, single submitter. Criteria: Invitae Variant Classification Sherloc (09022015). Collection method: clinical testing. Allele origin: germline.
Comment: This sequence change replaces arginine, which is basic and polar, with histidine, which is basic and polar, at codon 439 of the ABCB6 protein (p.Arg439His). This variant is present in population databases (rs775804124, gnomAD 0.005%). This variant has not been reported in the literature in individuals affected with ABCB6-related conditions. An algorithm developed to predict the effect of missense changes on protein structure and function (PolyPhen-2) suggests that this variant is likely to be disruptive. In summary, the available evidence is currently insufficient to determine the role of this variant in disease. Therefore, it has been classified as a Variant of Uncertain Significance.

NM_005689.4(ABCB6):c.1316G>A (p.Arg439His)

Gene: ABCB6 (ATP binding cassette subfamily B member 6 (LAN blood group); minus strand). Cytogenetic location: 2q35.
Variant type: single nucleotide variant.
Coding change: c.1316G>A on transcript NM_005689.4 (MANE Select); coding-DNA position 1316, G replaced by A.
Protein change: p.Arg439His; replaces arginine 439 with histidine.
Molecular consequence: missense variant.
Genome position (GRCh38, 1-based): chr2:219,214,459, C>T on the plus strand (G>A on the coding strand, the complement: ABCB6 is on the minus strand). VCF-style: chr2-219214459-C-T. GRCh37 (hg19) VCF-style: chr2-220079181-C-T.
Other names: c.1178G>A, p.Arg393His (NM_001349828.2); short protein forms R393H, R439H.
Identifiers: ClinVar variation 4809809 (VCV004809809.1).